The following is an entry in ClinVar:

ClinVar aggregate classification (germline): Uncertain significance. Review status: criteria provided, multiple submitters, no conflicts (2 of 4 stars). 3 submissions from 3 submitters: Uncertain significance (3). Last evaluated 2025-07-13.

Conditions:
Cardiovascular phenotype. Identifiers: MedGen CN230736.
Arrhythmogenic right ventricular dysplasia 10. Also called: Arrhythmogenic Right Ventricular Dysplasia/Cardiomyopathy10; ARRHYTHMOGENIC RIGHT VENTRICULAR DYSPLASIA, FAMILIAL, 10; Arrhythmogenic right ventricular dysplasia/cardiomyopathy, type 10. Identifiers: MedGen C1857777, MONDO:0012434, OMIM 610193.

Submissions (3):

Labcorp Genetics (formerly Invitae), Labcorp
Classification: Uncertain significance for Arrhythmogenic right ventricular dysplasia 10. Last evaluated: 2025-07-13. Review status: criteria provided, single submitter. Criteria: Invitae Variant Classification Sherloc (09022015). Collection method: clinical testing. Allele origin: germline.
Comment: This variant, c.42_44del, results in the deletion of 1 amino acid(s) of the DSG2 protein (p.Leu15del), but otherwise preserves the integrity of the reading frame. This variant is not present in population databases (gnomAD no frequency). This variant has not been reported in the literature in individuals affected with DSG2-related conditions. ClinVar contains an entry for this variant (Variation ID: 1023346). Experimental studies and prediction algorithms are not available or were not evaluated, and the functional significance of this variant is currently unknown. In summary, the available evidence is currently insufficient to determine the role of this variant in disease. Therefore, it has been classified as a Variant of Uncertain Significance.

Ambry Genetics
Classification: Uncertain significance for Cardiovascular phenotype. Last evaluated: 2023-08-24. Review status: criteria provided, single submitter. Criteria: Ambry Variant Classification Scheme 2023. Collection method: clinical testing. Allele origin: germline.
Comment: The c.42_44delCCT variant (also known as p.L15del) is located in coding exon 1 of the DSG2 gene. This variant results from an in-frame CCT deletion at nucleotide positions 42 to 44. This results in the in-frame deletion of a leucine at codon 15. This amino acid position is highly conserved in available vertebrate species. In addition, the in silico prediction for this alteration is inconclusive (Choi Y et al. PLoS ONE. 2012; 7(10):e46688). Since supporting evidence is limited at this time, the clinical significance of this alteration remains unclear.

Women's Health and Genetics/Laboratory Corporation of America, LabCorp
Classification: Uncertain significance. Last evaluated: 2022-08-01. Review status: criteria provided, single submitter. Criteria: LabCorp Variant Classification Summary - May 2015. Collection method: clinical testing. Allele origin: germline.
Comment: Variant summary: DSG2 c.42_44delCCT (p.Leu15del) results in an in-frame deletion that is predicted to remove one amino acid from the encoded protein. 4/4 computational tools predict no significant impact on normal splicing. However, these predictions have yet to be confirmed by functional studies. The variant was absent in 25416 control chromosomes (gnomAD). The available data on variant occurrences in the general population are insufficient to allow any conclusion about variant significance. To our knowledge, no occurrence of c.42_44delCCT in individuals affected with Arrhythmogenic Right Ventricular Dysplasia/Cardiomyopathy and no experimental evidence demonstrating its impact on protein function have been reported. Co-occurrence with other pathogenic variant have been observed internally (SCN5A c.4850_4852delTCT, p.Phe1617del), providing supporting evidence for a benign role. One clinical diagnostic laboratory has submitted clinical-significance assessments for this variant to ClinVar after 2014 and classified the variant as uncertain significance. Based on the evidence outlined above, the variant was classified as uncertain significance.

NM_001943.5(DSG2):c.42_44del (p.Leu15del)

Genes: DSG2 (desmoglein 2; plus strand), LOC130062340 (ATAC-STARR-seq lymphoblastoid silent region 9384; plus strand). Cytogenetic location: 18q12.1.
Variant type: Deletion.
Coding change: c.42_44del on transcript NM_001943.5 (MANE Select); coding-DNA positions 42 to 44, 3 bases deleted (CCT; older notation c.42_44delCCT).
Protein change: p.Leu15del; deletes leucine 15.
Molecular consequence: inframe deletion.
Genome position (GRCh38, 1-based): chr18:31,498,293-31,498,295, CCT deleted; deleting any 3 consecutive bases within chr18:31,498,291-31,498,295 gives the same sequence; the c. name uses the placement nearest the transcript's 3' end. VCF-style (leftmost placement, unchanged base first): chr18-31498290-TCTC-T. GRCh37 (hg19) VCF-style: chr18-29078253-TCTC-T.
Other names: c.42_44delCCT (NM_001943.3); short protein forms L15del.
Identifiers: ClinVar variation 1023346 (VCV001023346.11), dbSNP rs2072994567, ClinGen allele CA2293845730.